The following is an entry in ClinVar:

NM_001042492.3(NF1):c.3220del (p.Glu1074fs)

Gene: NF1 (neurofibromin 1; plus strand). Cytogenetic location: 17q11.2.
Variant type: Deletion.
Coding change: c.3220del on transcript NM_001042492.3 (MANE Select); coding-DNA position 3220, one base deleted (G; older notation c.3220delG).
Protein change: p.Glu1074fs; shifts the reading frame from glutamic acid 1074.
Molecular consequence: frameshift variant.
Genome position (GRCh38, 1-based): chr17:31,232,095, G deleted; the last of 2 consecutive G bases (chr17:31,232,094-31,232,095); deleting either gives the same sequence. VCF-style (leftmost placement, unchanged base first): chr17-31232093-TG-T. GRCh37 (hg19) VCF-style: chr17-29559111-TG-T.
Other names: c.3220delG, p.Glu1074Lysfs (NM_000267.4); short protein forms E1074fs.
Identifiers: ClinVar variation 3361307 (VCV003361307.3).
Genomic context (GRCh38, chr17:31,232,093, plus strand): 5'-TGGTCTCTAAATTTTTTTTTTTTTTTTTTTTTTTTTTCAGAGATTTGGACCAGGCAAGCA[TG>T]GAAGCAGTAGTTTCACTTCTAGCTGGTCTCCCTCTGCAGCCTGAAGAAGGAGATGGTGTG-3'

ClinVar aggregate classification (germline): Pathogenic. Review status: criteria provided, multiple submitters, no conflicts (2 of 4 stars). 2 submissions from 2 submitters: Pathogenic (2). Last evaluated 2025-05-13.

Conditions:
Neurofibromatosis, type 1 (NF1). Also called: VON RECKLINGHAUSEN DISEASE; Peripheral type neurofibromatosis; Neurofibromatosis, type I; NEUROFIBROMATOSIS, TYPE I, SOMATIC. Identifiers: Orphanet 636, MedGen C0027831, MONDO:0018975, OMIM 162200. Disease mechanism: loss of function.

Submissions (2):

Labcorp Genetics (formerly Invitae), Labcorp
Classification: Pathogenic for Neurofibromatosis, type 1. Last evaluated: 2025-05-13. Review status: criteria provided, single submitter. Criteria: Invitae Variant Classification Sherloc (09022015). Collection method: clinical testing. Allele origin: germline.
Comment: This sequence change creates a premature translational stop signal (p.Glu1074Lysfs*3) in the NF1 gene. It is expected to result in an absent or disrupted protein product. Loss-of-function variants in NF1 are known to be pathogenic (PMID: 10712197, 23913538). This variant is not present in population databases (gnomAD no frequency). This variant has not been reported in the literature in individuals affected with NF1-related conditions. ClinVar contains an entry for this variant (Variation ID: 3361307). For these reasons, this variant has been classified as Pathogenic.

GeneDx
Classification: Pathogenic. Last evaluated: 2024-04-03. Review status: criteria provided, single submitter. Criteria: GeneDx Variant Classification Process June 2021. Collection method: clinical testing. Allele origin: germline. Affected: yes.
Comment: Frameshift variant predicted to result in protein truncation or nonsense mediated decay in a gene for which loss-of-function is a known mechanism of disease; Not observed in large population cohorts (gnomAD); Has not been previously published as pathogenic or benign to our knowledge

Literature cited by the submitters: PubMed 10712197 (cited by Labcorp Genetics (formerly Invitae), Labcorp); PubMed 23913538 (cited by Labcorp Genetics (formerly Invitae), Labcorp).